The following is an entry in ClinVar:

NM_001378454.1(ALMS1):c.7111A>C (p.Ser2371Arg)

Gene: ALMS1 (ALMS1 centrosome and basal body associated protein; plus strand). Cytogenetic location: 2p13.1.
Variant type: single nucleotide variant.
Coding change: c.7111A>C on transcript NM_001378454.1 (MANE Select); coding-DNA position 7111, A replaced by C.
Protein change: p.Ser2371Arg; replaces serine 2371 with arginine.
Molecular consequence: missense variant.
Genome position (GRCh38, 1-based): chr2:73,453,638, A>C. VCF-style: chr2-73453638-A-C. GRCh37 (hg19) VCF-style: chr2-73680765-A-C.
Other names: c.7114A>C, p.Ser2372Arg (NM_015120.4); short protein forms S2371R, S2372R.
Identifiers: ClinVar variation 1396465 (VCV001396465.6), dbSNP rs2103792619, ClinGen allele CA347291090.
Genomic context (GRCh38, chr2:73,453,638, plus strand): 5'-TGGGAGTTTATTAGTTCAACTACAGTTAGAAGTCCTCTACAGGAAGCAGAGAGCAAAGTC[A>C]GTATGGCATTAGAAGAAACTCTTAGGCAATATCAAGCAGCCAAATCTGTAATGAGGTCTG-3'
Protein context (NP_001365383.1, residues 2361-2381): SPLQEAESKV[Ser2371Arg]MALEETLRQY

ClinVar aggregate classification (germline): Uncertain significance (1 of 4 stars; one submission).

Conditions:
Alstrom syndrome (ALMS). Identifiers: Orphanet 64, MedGen C0268425, MONDO:0008763, OMIM 203800.

Submission:

Labcorp Genetics (formerly Invitae), Labcorp
Classification: Uncertain significance for Alstrom syndrome. Last evaluated: 2021-12-06. Review status: criteria provided, single submitter. Criteria: Invitae Variant Classification Sherloc (09022015). Collection method: clinical testing. Allele origin: germline.
Comment: This variant is not present in population databases (gnomAD no frequency). In summary, the available evidence is currently insufficient to determine the role of this variant in disease. Therefore, it has been classified as a Variant of Uncertain Significance. Experimental studies and prediction algorithms are not available or were not evaluated, and the functional significance of this variant is currently unknown. This variant has not been reported in the literature in individuals affected with ALMS1-related conditions. This sequence change replaces serine, which is neutral and polar, with arginine, which is basic and polar, at codon 2372 of the ALMS1 protein (p.Ser2372Arg).